The following is an entry in ClinVar:

NM_000297.4(PKD2):c.1944G>T (p.Glu648Asp)

Gene: PKD2 (polycystin 2, transient receptor potential cation channel; plus strand). Cytogenetic location: 4q22.1.
Variant type: single nucleotide variant.
Coding change: c.1944G>T on transcript NM_000297.4 (MANE Select); coding-DNA position 1944, G replaced by T.
Protein change: p.Glu648Asp; replaces glutamic acid 648 with aspartic acid.
Molecular consequence: missense variant.
Genome position (GRCh38, 1-based): chr4:88,058,028, G>T. VCF-style: chr4-88058028-G-T. GRCh37 (hg19) VCF-style: chr4-88979180-G-T.
Other names: short protein forms E648D.
Identifiers: ClinVar variation 3676800 (VCV003676800.2).

ClinVar aggregate classification (germline): Uncertain significance (1 of 4 stars; one submission).

Conditions:
Autosomal dominant polycystic kidney disease. Identifiers: Orphanet 730, MedGen C0085413, MONDO:0004691.

Submission:

Labcorp Genetics (formerly Invitae), Labcorp
Classification: Uncertain significance for Autosomal dominant polycystic kidney disease. Last evaluated: 2024-07-04. Review status: criteria provided, single submitter. Criteria: Invitae Variant Classification Sherloc (09022015). Collection method: clinical testing. Allele origin: germline.
Comment: This sequence change replaces glutamic acid, which is acidic and polar, with aspartic acid, which is acidic and polar, at codon 648 of the PKD2 protein (p.Glu648Asp). This variant is not present in population databases (gnomAD no frequency). This variant has not been reported in the literature in individuals affected with PKD2-related conditions. Advanced modeling of protein sequence and biophysical properties (such as structural, functional, and spatial information, amino acid conservation, physicochemical variation, residue mobility, and thermodynamic stability) performed at Invitae indicates that this missense variant is not expected to disrupt PKD2 protein function with a negative predictive value of 80%. In summary, the available evidence is currently insufficient to determine the role of this variant in disease. Therefore, it has been classified as a Variant of Uncertain Significance.